The following is an entry in ClinVar:

NM_021625.5(TRPV4):c.1084C>A (p.Leu362Met)

Gene: TRPV4 (transient receptor potential cation channel subfamily V member 4; minus strand). Cytogenetic location: 12q24.11.
Variant type: single nucleotide variant.
Coding change: c.1084C>A on transcript NM_021625.5 (MANE Select); coding-DNA position 1084, C replaced by A.
Protein change: p.Leu362Met; replaces leucine 362 with methionine.
Molecular consequence: missense variant.
Genome position (GRCh38, 1-based): chr12:109,798,682, G>T on the plus strand (C>A on the coding strand, the complement: TRPV4 is on the minus strand). VCF-style: chr12-109798682-G-T. GRCh37 (hg19) VCF-style: chr12-110236487-G-T.
Other names: c.943C>A, p.Leu315Met (NM_001177433.2, NM_001177428.2); c.1084C>A, p.Leu362Met (NM_147204.3); c.982C>A, p.Leu328Met (NM_001177431.2); short protein forms L315M, L328M, L362M.
Identifiers: ClinVar variation 862022 (VCV000862022.5), dbSNP rs1238768782, ClinGen allele CA386654254.
Genomic context (GRCh38, chr12:109,798,682, plus strand): 5'-TGCCCGTCTTGGCAGCCATCATGAGGGGCGAGAGGCCGTCGTTGTTGAGCACGGCCTCCA[G>T]GTTGCTGTCGGGGAAGAGGCGGGCACACTTGAGCAGCAGCAGGTCGTACATCTTGGTAAC-3'
Protein context (NP_067638.3, residues 352-372): KCARLFPDSN[Leu362Met]EAVLNNDGLS

ClinVar aggregate classification (germline): Uncertain significance (1 of 4 stars; one submission).

Conditions:
Charcot-Marie-Tooth disease axonal type 2C (HMSN2C). Also called: Charcot-Marie-Tooth Disease Type 2, TRPV4-Related (CMT2C); CHARCOT-MARIE-TOOTH DISEASE, AXONAL, AUTOSOMAL DOMINANT, TYPE 2C; Charcot-Marie-Tooth Neuropathy Type 2C. Identifiers: Orphanet 99937, MedGen C1853710, MONDO:0011633, OMIM 606071.

Allele frequency attached by ClinVar (database versions not stated): gnomAD exomes below 0.00001; TOPMed below 0.00001; gnomAD 0.00001.
gnomAD v4.1: 32 of 1,613,746 alleles (0.002%); highest among the groups gnomAD compares: Non-Finnish European, 0.0027%; 1 homozygote.

Submission:

Labcorp Genetics (formerly Invitae), Labcorp
Classification: Uncertain significance for Charcot-Marie-Tooth disease axonal type 2C. Last evaluated: 2023-02-28. Review status: criteria provided, single submitter. Criteria: Invitae Variant Classification Sherloc (09022015). Collection method: clinical testing. Allele origin: germline.
Comment: This sequence change replaces leucine, which is neutral and non-polar, with methionine, which is neutral and non-polar, at codon 362 of the TRPV4 protein (p.Leu362Met). This variant is present in population databases (no rsID available, gnomAD 0.0009%). This variant has not been reported in the literature in individuals affected with TRPV4-related conditions. ClinVar contains an entry for this variant (Variation ID: 862022). Advanced modeling of protein sequence and biophysical properties (such as structural, functional, and spatial information, amino acid conservation, physicochemical variation, residue mobility, and thermodynamic stability) has been performed at Invitae for this missense variant, however the output from this modeling did not meet the statistical confidence thresholds required to predict the impact of this variant on TRPV4 protein function. In summary, the available evidence is currently insufficient to determine the role of this variant in disease. Therefore, it has been classified as a Variant of Uncertain Significance.